The following is an entry in ClinVar:

NM_004336.5(BUB1):c.1435A>G (p.Thr479Ala)

Gene: BUB1 (BUB1 mitotic checkpoint serine/threonine kinase; minus strand). Cytogenetic location: 2q13.
Variant type: single nucleotide variant.
Coding change: c.1435A>G on transcript NM_004336.5 (MANE Select); coding-DNA position 1435, A replaced by G.
Protein change: p.Thr479Ala; replaces threonine 479 with alanine.
Molecular consequence: missense variant.
Genome position (GRCh38, 1-based): chr2:110,658,491, T>C on the plus strand (A>G on the coding strand, the complement: BUB1 is on the minus strand). VCF-style: chr2-110658491-T-C. GRCh37 (hg19) VCF-style: chr2-111416068-T-C.
Other names: c.1375A>G, p.Thr459Ala (NM_001278616.2); c.1435A>G, p.Thr479Ala (NM_001278617.2); short protein forms T459A, T479A.
Identifiers: ClinVar variation 1772598 (VCV001772598.3), dbSNP rs1351796533, ClinGen allele CA348212418.

ClinVar aggregate classification (germline): Uncertain significance (1 of 4 stars; one submission).

Allele frequency attached by ClinVar (database versions not stated): gnomAD exomes below 0.00001; gnomAD 0.00001.
gnomAD v4.1: 6 of 1,613,936 alleles (0.00037%); highest among the groups gnomAD compares: South Asian, 0.0066%; no homozygotes.

Submission:

Ambry Genetics
Classification: Uncertain significance. Last evaluated: 2024-09-23. Review status: criteria provided, single submitter. Criteria: Ambry Variant Classification Scheme 2023. Collection method: clinical testing. Allele origin: germline.
Comment: The p.T479A variant (also known as c.1435A>G), located in coding exon 13 of the BUB1 gene, results from an A to G substitution at nucleotide position 1435. The threonine at codon 479 is replaced by alanine, an amino acid with similar properties. This amino acid position is conserved. In addition, this alteration is predicted to be tolerated by in silico analysis. Since supporting evidence is limited at this time, the clinical significance of this alteration remains unclear.